The following is an entry in ClinVar:

ClinVar aggregate classification (germline): Uncertain significance (1 of 4 stars; one submission).

Conditions:
Hereditary cancer-predisposing syndrome. Also called: Neoplastic Syndromes, Hereditary; Tumor predisposition; Hereditary neoplastic syndrome; Hereditary Cancer Syndrome. Identifiers: Orphanet 140162, MedGen C0027672, MeSH D009386, MONDO:0015356.
Cardiovascular phenotype. Identifiers: MedGen CN230736.

Submission:

Ambry Genetics
Classification: Uncertain significance for Cardiovascular phenotype; Hereditary cancer-predisposing syndrome. Last evaluated: 2023-11-24. Review status: criteria provided, single submitter. Criteria: Ambry Variant Classification Scheme 2023. Collection method: clinical testing. Allele origin: germline.
Comment: The p.A394S variant (also known as c.1180G>T), located in coding exon 11 of the LZTR1 gene, results from a G to T substitution at nucleotide position 1180. The alanine at codon 394 is replaced by serine, an amino acid with similar properties. This amino acid position is conserved. In addition, this alteration is predicted to be tolerated by in silico analysis. Since supporting evidence is limited at this time, the clinical significance of this alteration remains unclear.

NM_006767.4(LZTR1):c.1180G>T (p.Ala394Ser)

Gene: LZTR1 (leucine zipper like post translational regulator 1; plus strand). Cytogenetic location: 22q11.21.
Variant type: single nucleotide variant.
Coding change: c.1180G>T on transcript NM_006767.4 (MANE Select); coding-DNA position 1180, G replaced by T.
Protein change: p.Ala394Ser; replaces alanine 394 with serine.
Molecular consequence: missense variant.
Genome position (GRCh38, 1-based): chr22:20,992,824, G>T. VCF-style: chr22-20992824-G-T. GRCh37 (hg19) VCF-style: chr22-21347113-G-T.
Other names: short protein forms A394S.
Identifiers: ClinVar variation 3238029 (VCV003238029.1), dbSNP rs2518618780.